The following is an entry in ClinVar:

NM_018429.3(BDP1):c.5851A>G (p.Thr1951Ala)

Gene: BDP1 (BDP1 general transcription factor IIIB subunit; plus strand). Cytogenetic location: 5q13.2.
Variant type: single nucleotide variant.
Coding change: c.5851A>G on transcript NM_018429.3 (MANE Select); coding-DNA position 5851, A replaced by G.
Protein change: p.Thr1951Ala; replaces threonine 1951 with alanine.
Molecular consequence: missense variant.
Genome position (GRCh38, 1-based): chr5:71,532,386, A>G. VCF-style: chr5-71532386-A-G. GRCh37 (hg19) VCF-style: chr5-70828213-A-G.
Other names: short protein forms T1951A.
Identifiers: ClinVar variation 1316164 (VCV001316164.5), dbSNP rs200701950, ClinGen allele CA3297042.

ClinVar aggregate classification (germline): Conflicting classifications of pathogenicity. Review status: criteria provided, conflicting classifications (1 of 4 stars). 3 submissions from 3 submitters: Uncertain significance (1); Likely benign (2). Last evaluated 2026-06-24.

Conditions:
BDP1-related disorder. Also called: BDP1-related condition.

Allele frequency attached by ClinVar (database versions not stated): ESP Exome Variant Server 0.00008; gnomAD exomes 0.00008 and 0.00020; gnomAD 0.00009 and 0.00010; TOPMed 0.00009; ExAC 0.00017.
gnomAD v4.1: 151 of 1,613,546 alleles (0.0094%); highest among the groups gnomAD compares: East Asian, 0.0022%; no homozygotes.

Submissions (3):

PreventionGenetics, part of Exact Sciences
Classification: Likely benign for BDP1-related condition. Last evaluated: 2026-06-24. Review status: criteria provided, single submitter. Criteria: ACMG Guidelines, 2015. Collection method: clinical testing. Allele origin: germline.
Comment: This variant is classified as likely benign based on ACMG/AMP sequence variant interpretation guidelines (Richards et al. 2015 PMID: 25741868, with internal and published modifications).

Ambry Genetics
Classification: Uncertain significance. Last evaluated: 2023-01-10. Review status: criteria provided, single submitter. Criteria: Ambry Variant Classification Scheme 2023. Collection method: clinical testing. Allele origin: germline.

GeneDx
Classification: Likely benign. Last evaluated: 2019-11-11. Review status: criteria provided, single submitter. Criteria: GeneDx Variant Classification Process June 2021. Collection method: clinical testing. Allele origin: germline. Affected: yes.